The following continues an entry in ClinVar:

NM_000051.4(ATM):c.1744T>C (p.Phe582Leu)

Gene: ATM. ClinVar aggregate classification (germline): Conflicting classifications of pathogenicity. Uncertain significance (1); Benign (8); Likely benign (17).

Submissions 21 to 37 of 37:

Illumina Laboratory Services, Illumina
Classification: Likely benign for Ataxia-telangiectasia syndrome. Last evaluated: 2017-04-27. Review status: criteria provided, single submitter. Criteria: ICSL Variant Classification Criteria 13 December 2019. Collection method: clinical testing. Allele origin: germline.
Comment: This variant was observed as part of a predisposition screen in an ostensibly healthy population. A literature search was performed for the gene, cDNA change, and amino acid change (where applicable). No publications were found based on this search. Allele frequency data from public databases allowed determination this variant is unlikely to cause disease. Therefore, this variant is classified as likely benign.

Genetic Services Laboratory, University of Chicago
Classification: Likely benign. Last evaluated: 2017-01-27. Review status: criteria provided, single submitter. Criteria: ACMG Guidelines, 2015. Collection method: clinical testing. Allele origin: germline. Affected: no.

Color Diagnostics, LLC DBA Color Health
Classification: Likely benign for Hereditary cancer-predisposing syndrome. Last evaluated: 2015-04-07. Review status: criteria provided, single submitter. Criteria: ACMG Guidelines, 2015. Collection method: clinical testing. Allele origin: germline.

Eurofins Ntd Llc (ga)
Classification: Likely benign. Last evaluated: 2015-03-20. Review status: criteria provided, single submitter. Criteria: EGL Classification Definitions 2015. Collection method: clinical testing. Allele origin: germline. Observed: 1 variant allele, 1 heterozygote.

Ambry Genetics
Classification: Benign for Hereditary cancer-predisposing syndrome. Last evaluated: 2014-11-24. Review status: criteria provided, single submitter. Criteria: Ambry Variant Classification Scheme 2023. Collection method: clinical testing. Allele origin: germline.

PreventionGenetics, part of Exact Sciences
Classification: Likely benign. Review status: criteria provided, single submitter. Criteria: ACMG Guidelines, 2015. Collection method: clinical testing. Allele origin: germline.

Institute for Biomarker Research, Medical Diagnostic Laboratories, L.L.C.
Classification: Benign for Hereditary cancer-predisposing syndrome. Last evaluated: 2021-09-27. Review status: no assertion criteria provided. Collection method: clinical testing. Allele origin: germline. Not counted in ClinVar's aggregate classification.

Natera, Inc.
Classification: Likely benign for Ataxia-telangiectasia. Last evaluated: 2019-10-30. Review status: no assertion criteria provided. Collection method: clinical testing. Allele origin: germline. Not counted in ClinVar's aggregate classification.

True Health Diagnostics
Classification: Likely benign for Hereditary cancer-predisposing syndrome. Last evaluated: 2018-02-20. Review status: no assertion criteria provided. Collection method: clinical testing. Allele origin: germline. Not counted in ClinVar's aggregate classification.

ITMI
No classification provided. Condition: AllHighlyPenetrant. Last evaluated: 2013-09-19. Review status: no classification provided. Collection method: reference population. Allele origin: germline. Not counted in ClinVar's aggregate classification.
Comment: Please see associated publication for description of ethnicities

Center of Medical Genetics and Primary Health Care
Classification: Benign for Breast Cancer. Review status: no assertion criteria provided. Collection method: clinical testing. Allele origin: germline. Affected: yes. Not counted in ClinVar's aggregate classification.

Clinical Genetics, Academic Medical Center
Classification: Likely benign. Review status: no assertion criteria provided. Collection method: clinical testing. Allele origin: germline. Affected: yes. Study: VKGL Data-share Consensus. Not counted in ClinVar's aggregate classification.

Department of Pathology and Laboratory Medicine, Sinai Health System
Classification: Likely benign for Malignant tumor of breast. Review status: no assertion criteria provided. Collection method: clinical testing. Allele origin: unknown. Affected: yes. Study: The Canadian Open Genetics Repository (COGR). Not counted in ClinVar's aggregate classification.
Comment: The ATM p.Phe582Leu variant was identified in 3 of 3466 proband chromosomes (frequency: 0.0009) from individuals or families tested for Lynch Syndrome and with breast cancer (Johnson_2007, Yurgelun_2015). The variant was also identified in the following databases: dbSNP (ID: rs2235006) as â€šÃ„ÃºWith Likely benign alleleâ€šÃ„Ã¹, ClinVar (reported 7x, as benign by Invitae, Ambry Genetics, as likely benign by EGL Genetics, PreventionGenetics, University of Chicago, GeneDx, and ITMI without any pathogenicity predictions), Clinvitae (4x, as benign and likely benign by ClinVar, Invitae, EmvClass) and LOVD 3.0 (2x as "Probably does not affect function" prediction). The variant was not identified in the Cosmic or MutDB databases. The variant was identified in control databases in 257 of 276854 chromosomes (1 homozygous) at a frequency of 0.0009 increasing the likelihood this could be a low frequency variant (Genome Aggregation Database Feb 27, 2017). It was observed in the following populations: African in 1 of 24020 chromosomes (freq: 0.000042), Other in 11 of 6454 chromosomes (freq: 0.002), Latino in 46 of 34400 chromosomes (freq: 0.0013), European Non-Finnish in 132 of 126444 chromosomes (freq: 0.001), Ashkenazi Jewish in 11 of 10148 chromosomes (freq: 0.001), and South Asian in 56 of 30774 chromosomes (freq: 0.002); it was not in the East Asian, or European Finnish populations. Constructs of the ATM c.1744T>C variant were utilized as a control in an A-T cells transfection study (Mitui_2009). The aim of the experiment was to identify site-directed mutagenesis for distinguishing polymorphisms from mutations in the ATM gene. The study demonstrated that transfecting A-T cells (AT7LA) with constructs of ATM, c.1744T>C variant yielded normal ATM protein levels, normal kinase activity, and corrected radiosensitivity, supporting classification of this variant as likely benign. The p.Phe582 residue is conserved in mammals but not in more distantly related organisms however computational analyses (PolyPhen-2, SIFT, AlignGVGD, BLOSUM, MutationTaster) do not suggest a high likelihood of impact to the protein; this information is not predictive enough to rule out pathogenicity. The variant occurs outside of the splicing consensus sequence and 1 of 5 in silico or computational prediction software programs (SpliceSiteFinder, MaxEntScan, NNSPLICE, GeneSplicer, HumanSpliceFinder) predict a greater than 10% difference in splicing; this is not very predictive of pathogenicity. In summary, based on the above information the clinical significance of this variant cannot be determined with certainty at this time although we would lean towards a more benign role for this variant. This variant is classified as likely benign.

Genome Diagnostics Laboratory, Amsterdam University Medical Center
Classification: Benign. Review status: no assertion criteria provided. Collection method: clinical testing. Allele origin: germline. Affected: yes. Study: VKGL Data-share Consensus. Not counted in ClinVar's aggregate classification.

Genome Diagnostics Laboratory, University Medical Center Utrecht
Classification: Likely benign. Review status: no assertion criteria provided. Collection method: clinical testing. Allele origin: germline. Affected: yes. Study: VKGL Data-share Consensus. Not counted in ClinVar's aggregate classification.

Joint Genome Diagnostic Labs from Nijmegen and Maastricht, Radboudumc and MUMC+
Classification: Likely benign. Review status: no assertion criteria provided. Collection method: clinical testing. Allele origin: germline. Affected: yes. Study: VKGL Data-share Consensus. Not counted in ClinVar's aggregate classification.

Laboratory of Diagnostic Genome Analysis, Leiden University Medical Center (LUMC)
Classification: Likely benign. Review status: no assertion criteria provided. Collection method: clinical testing. Allele origin: germline. Affected: yes. Study: VKGL Data-share Consensus. Not counted in ClinVar's aggregate classification.

Literature cited by the submitters: PubMed 25085752 (cited by Myriad Genetics, Inc.); PubMed 26112015 (cited by Quest Diagnostics Nichols Institute San Juan Capistrano and Athena Diagnostics); PubMed 12673804 (cited by 3 submitters); PubMed 9622061 (cited by 3 submitters); PubMed 17124347 (cited by 3 submitters); PubMed 24197801 (cited by Quest Diagnostics Nichols Institute San Juan Capistrano and Athena Diagnostics); PubMed 23091097 (cited by Quest Diagnostics Nichols Institute San Juan Capistrano and Athena Diagnostics); PubMed 11443540 (cited by 3 submitters); PubMed 14695997 (cited by 3 submitters); PubMed 21933854 (cited by Quest Diagnostics Nichols Institute San Juan Capistrano and Athena Diagnostics); PubMed 21514219 (cited by Quest Diagnostics Nichols Institute San Juan Capistrano and Athena Diagnostics); PubMed 19781682 (cited by Quest Diagnostics Nichols Institute San Juan Capistrano and Athena Diagnostics); PubMed 16741161 (cited by Quest Diagnostics Nichols Institute San Juan Capistrano and Athena Diagnostics); PubMed 18634022 (cited by 3 submitters); PubMed 20305132 (cited by Quest Diagnostics Nichols Institute San Juan Capistrano and Women's Health and Genetics/Laboratory Corporation of America, LabCorp); PubMed 17333338 (cited by Quest Diagnostics Nichols Institute San Juan Capistrano and Women's Health and Genetics/Laboratory Corporation of America, LabCorp); PubMed 27153395 (cited by Quest Diagnostics Nichols Institute San Juan Capistrano and Athena Diagnostics); PubMed 28652578 (cited by Quest Diagnostics Nichols Institute San Juan Capistrano and Athena Diagnostics); PubMed 30553997 (cited by Quest Diagnostics Nichols Institute San Juan Capistrano and Athena Diagnostics); PubMed 24416720 (cited by 3 submitters); PubMed 25625042 (cited by Quest Diagnostics Nichols Institute San Juan Capistrano and Athena Diagnostics); PubMed 24728327 (cited by 4 submitters); PubMed 33471991 (cited by Quest Diagnostics Nichols Institute San Juan Capistrano); PubMed 11996792 (cited by 3 submitters); PubMed 16574953 (cited by 3 submitters); PubMed 22529920 (cited by 3 submitters).